The following is an entry in ClinVar:

NM_152564.5(VPS13B):c.8097+1G>T

Gene: VPS13B (vacuolar protein sorting 13 homolog B; plus strand). Cytogenetic location: 8q22.2.
Variant type: single nucleotide variant.
Coding change: c.8097+1G>T on transcript NM_152564.5 (MANE Select); the canonical splice donor site of the intron after coding-DNA position 8097, G replaced by T.
Molecular consequence: splice donor variant.
Genome position (GRCh38, 1-based): chr8:99,809,531, G>T. VCF-style: chr8-99809531-G-T. GRCh37 (hg19) VCF-style: chr8-100821759-G-T.
Other names: c.8172+1G>T (NM_017890.5).
Identifiers: ClinVar variation 5001970 (VCV005001970.1).

ClinVar aggregate classification (germline): Likely pathogenic (1 of 4 stars; one submission).

Conditions:
VPS13B-related disorder. Also called: VPS13B-related condition.

Submission:

PreventionGenetics, part of Exact Sciences
Classification: Likely pathogenic for VPS13B-related condition. Last evaluated: 2025-07-31. Review status: criteria provided, single submitter. Criteria: ACMG Guidelines, 2015. Collection method: clinical testing. Allele origin: germline.
Comment: The VPS13B c.8097+1G>T variant is predicted to disrupt the GT donor site and interfere with normal splicing. To our knowledge, this variant has not been reported in the literature or in a large population database (gnomAD), indicating this variant is rare. Variants that disrupt the consensus splice donor site in VPS13B are expected to be pathogenic. This variant is interpreted as likely pathogenic.